The following is an entry in ClinVar:

NM_005006.7(NDUFS1):c.1415C>T (p.Pro472Leu)

Gene: NDUFS1 (NADH:ubiquinone oxidoreductase core subunit S1; minus strand). Cytogenetic location: 2q33.3.
Variant type: single nucleotide variant.
Coding change: c.1415C>T on transcript NM_005006.7 (MANE Select); coding-DNA position 1415, C replaced by T.
Protein change: p.Pro472Leu; replaces proline 472 with leucine.
Molecular consequence: missense variant.
Genome position (GRCh38, 1-based): chr2:206,133,083, G>A on the plus strand (C>T on the coding strand, the complement: NDUFS1 is on the minus strand). VCF-style: chr2-206133083-G-A. GRCh37 (hg19) VCF-style: chr2-206997807-G-A.
Other names: c.1307C>T, p.Pro436Leu (NM_001199981.2); c.1082C>T, p.Pro361Leu (NM_001199982.2); c.1244C>T, p.Pro415Leu (NM_001199983.2); c.1457C>T, p.Pro486Leu (NM_001199984.2); short protein forms P361L, P436L, P472L, P486L, P415L.
Identifiers: ClinVar variation 1429792 (VCV001429792.8), dbSNP rs1448338752, ClinGen allele CA350048433.

ClinVar aggregate classification (germline): Uncertain significance (1 of 4 stars; one submission).

Allele frequency attached by ClinVar (database versions not stated): gnomAD 0.00001; gnomAD exomes 0.00001.
gnomAD v4.1: 10 of 1,611,828 alleles (0.00062%); highest among the groups gnomAD compares: Non-Finnish European, 0.00076%; no homozygotes.

Submission:

Labcorp Genetics (formerly Invitae), Labcorp
Classification: Uncertain significance. Last evaluated: 2025-02-25. Review status: criteria provided, single submitter. Criteria: Invitae Variant Classification Sherloc (09022015). Collection method: clinical testing. Allele origin: germline.
Comment: This sequence change replaces proline, which is neutral and non-polar, with leucine, which is neutral and non-polar, at codon 472 of the NDUFS1 protein (p.Pro472Leu). This variant is present in population databases (no rsID available, gnomAD 0.002%). This variant has not been reported in the literature in individuals affected with NDUFS1-related conditions. ClinVar contains an entry for this variant (Variation ID: 1429792). Invitae Evidence Modeling of protein sequence and biophysical properties (such as structural, functional, and spatial information, amino acid conservation, physicochemical variation, residue mobility, and thermodynamic stability) indicates that this missense variant is expected to disrupt NDUFS1 protein function with a positive predictive value of 95%. In summary, the available evidence is currently insufficient to determine the role of this variant in disease. Therefore, it has been classified as a Variant of Uncertain Significance.